The following is an entry in ClinVar:

ClinVar aggregate classification (germline): Conflicting classifications of pathogenicity. Review status: criteria provided, conflicting classifications (1 of 4 stars). 3 submissions from 2 submitters: Uncertain significance (2); Benign (1). Last evaluated 2020-10-19.

Conditions:
Tangier disease (TGD). Also called: HIGH DENSITY LIPOPROTEIN DEFICIENCY, TANGIER TYPE; HIGH DENSITY LIPOPROTEIN DEFICIENCY, TYPE 1; Cholesterol thesaurismosis. Identifiers: Orphanet 31150, MedGen C0039292, MONDO:0008783, OMIM 205400.
Hypoalphalipoproteinemia, primary, 1. Identifiers: Orphanet 425, MedGen C5231558, MONDO:0011393, OMIM 604091.

gnomAD v4.1: 27 of 1,611,668 alleles (0.0017%); highest among the groups gnomAD compares: South Asian, 0.026%; 1 homozygote.

Submissions (3):

Women's Health and Genetics/Laboratory Corporation of America, LabCorp
Classification: Benign. Last evaluated: 2020-10-19. Review status: criteria provided, single submitter. Criteria: LabCorp Variant Classification Summary - May 2015. Collection method: clinical testing. Allele origin: germline.
Comment: Variant summary: ABCA1 c.4698+14C>G alters a non-conserved nucleotide located close to a canonical splice site and therefore could affect mRNA splicing, leading to a significantly altered protein sequence. 4/4 computational tools predict no significant impact on normal splicing. However, these predictions have yet to be confirmed by functional studies. The variant allele was found at a frequency of 5.2e-05 in 251340 control chromosomes, predominantly at a frequency of 0.00042 within the South Asian subpopulation in the gnomAD database. The observed variant frequency within South Asian control individuals in the gnomAD database is approximately 34 fold of the estimated maximal expected allele frequency for a pathogenic variant in ABCA1 causing Early Onset Coronary Artery Disease phenotype (1.3e-05), strongly suggesting that the variant is a benign polymorphism found primarily in populations of South Asian origin. To our knowledge, no occurrence of c.4698+14C>G in individuals affected with Early Onset Coronary Artery Disease and no experimental evidence demonstrating its impact on protein function have been reported. One ClinVar submitter (evaluation after 2014) cite the variant as uncertain significance. Based on the evidence outlined above, the variant was classified as benign.

Illumina Laboratory Services, Illumina
Classification: Uncertain significance for Hypoalphalipoproteinemia, primary, 1. Last evaluated: 2017-04-27. Review status: criteria provided, single submitter. Criteria: ICSL Variant Classification Criteria 13 December 2019. Collection method: clinical testing. Allele origin: germline.

Illumina Laboratory Services, Illumina
Classification: Uncertain significance for Tangier disease. Last evaluated: 2017-04-27. Review status: criteria provided, single submitter. Criteria: ICSL Variant Classification Criteria 13 December 2019. Collection method: clinical testing. Allele origin: germline.

NM_005502.4(ABCA1):c.4698+14C>G

Gene: ABCA1 (ATP binding cassette subfamily A member 1; minus strand). Cytogenetic location: 9q31.1.
Variant type: single nucleotide variant.
Coding change: c.4698+14C>G on transcript NM_005502.4 (MANE Select); 14 bases into the intron after coding-DNA position 4698, C replaced by G.
Molecular consequence: intron variant.
Genome position (GRCh38, 1-based): chr9:104,802,040, G>C on the plus strand (C>G on the coding strand, the complement: ABCA1 is on the minus strand). VCF-style: chr9-104802040-G-C. GRCh37 (hg19) VCF-style: chr9-107564321-G-C.
Identifiers: ClinVar variation 914302 (VCV000914302.5), dbSNP rs550787183, ClinGen allele CA5168055.